The following is an entry in ClinVar:

NM_000330.4(RS1):c.209G>A (p.Gly70Asp)

Genes: CDKL5 (cyclin dependent kinase like 5; plus strand), RS1 (retinoschisin 1; minus strand). Cytogenetic location: Xp22.13.
Variant type: single nucleotide variant.
Coding change: c.209G>A on transcript NM_000330.4 (MANE Select); coding-DNA position 209, G replaced by A.
Protein change: p.Gly70Asp; replaces glycine 70 with aspartic acid.
Molecular consequence: missense variant. On other transcripts: intron variant (2).
Genome position (GRCh38, 1-based): chrX:18,647,308, C>T on the plus strand (G>A on the coding strand, the complement: RS1 is on the minus strand). VCF-style: chrX-18647308-C-T. GRCh37 (hg19) VCF-style: chrX-18665428-C-T.
Other names: c.2797+1218C>T (NM_003159.3, NM_001037343.2); short protein forms G70D.
Identifiers: ClinVar variation 98915 (VCV000098915.5), dbSNP rs62645895, ClinGen allele CA226618.

ClinVar aggregate classification (germline): Pathogenic/Likely pathogenic. Review status: criteria provided, multiple submitters, no conflicts (2 of 4 stars). 3 submissions from 3 submitters: Pathogenic (1); Likely pathogenic (1). 1 of the submissions does not count toward it. Last evaluated 2025-02-13.

Conditions:
Juvenile retinoschisis (RS1). Also called: X-Linked Juvenile Retinoschisis; X-linked retinoschisis. Identifiers: Orphanet 792, MedGen C3714753, MONDO:0010725, OMIM 312700.

Submissions (3):

Labcorp Genetics (formerly Invitae), Labcorp
Classification: Pathogenic. Last evaluated: 2025-02-13. Review status: criteria provided, single submitter. Criteria: Invitae Variant Classification Sherloc (09022015). Collection method: clinical testing. Allele origin: germline.
Comment: This sequence change replaces glycine, which is neutral and non-polar, with aspartic acid, which is acidic and polar, at codon 70 of the RS1 protein (p.Gly70Asp). This variant is not present in population databases (gnomAD no frequency). This missense change has been observed in individual(s) with retinoschisis (PMID: 34822951, 35456481). ClinVar contains an entry for this variant (Variation ID: 98915). Invitae Evidence Modeling of protein sequence and biophysical properties (such as structural, functional, and spatial information, amino acid conservation, physicochemical variation, residue mobility, and thermodynamic stability) indicates that this missense variant is expected to disrupt RS1 protein function with a positive predictive value of 95%. This variant disrupts the p.Gly70 amino acid residue in RS1. Other variant(s) that disrupt this residue have been determined to be pathogenic (PMID: 9618178, 28559085, 29902095). This suggests that this residue is clinically significant, and that variants that disrupt this residue are likely to be disease-causing. For these reasons, this variant has been classified as Pathogenic.

Institute of Medical Molecular Genetics, University of Zurich
Classification: Likely pathogenic for Juvenile retinoschisis. Last evaluated: 2021-01-30. Review status: criteria provided, single submitter. Criteria: ACMG Guidelines, 2015. Collection method: clinical testing. Allele origin: unknown. Affected: yes.

Retina International
No classification provided. Review status: no classification provided. Collection method: not provided. Allele origin: unknown. Not counted in ClinVar's aggregate classification.

Literature cited by the submitters: PubMed 34822951 (cited by Labcorp Genetics (formerly Invitae), Labcorp); PubMed 35456481 (cited by Labcorp Genetics (formerly Invitae), Labcorp); PubMed 9618178 (cited by Labcorp Genetics (formerly Invitae), Labcorp); PubMed 28559085 (cited by Labcorp Genetics (formerly Invitae), Labcorp); PubMed 29902095 (cited by Labcorp Genetics (formerly Invitae), Labcorp).